The following is an entry in ClinVar:

NM_012186.3(FOXE3):c.240C>T (p.Ile80=)

Genes: FOXE3 (forkhead box E3; plus strand), LINC01389 (long independently transcribed non-coding RNA 1389; minus strand). Cytogenetic location: 1p33.
Variant type: single nucleotide variant.
Coding change: c.240C>T on transcript NM_012186.3 (MANE Select); coding-DNA position 240, C replaced by T.
Protein change: p.Ile80=; no amino-acid change (isoleucine 80 retained).
Molecular consequence: synonymous variant.
Genome position (GRCh38, 1-based): chr1:47,416,555, C>T. VCF-style: chr1-47416555-C-T. GRCh37 (hg19) VCF-style: chr1-47882227-C-T.
Identifiers: ClinVar variation 1134713 (VCV001134713.38), dbSNP rs146608794, ClinGen allele CA842919.

ClinVar aggregate classification (germline): Benign/Likely benign. Review status: criteria provided, multiple submitters, no conflicts (2 of 4 stars). 6 submissions from 6 submitters: Benign (1); Likely benign (4). 1 of the submissions does not count toward it. Last evaluated 2026-01-30.

Conditions:
Cardiovascular phenotype. Identifiers: MedGen CN230736.
FOXE3-related disorder. Also called: FOXE3-related condition.
Congenital primary aphakia. Also called: ANTERIOR SEGMENT DYSGENESIS 2; Anterior segment dysgenesis 2, multiple subtypes. Identifiers: Orphanet 83461, MedGen C1853230, MONDO:0012456, OMIM 610256.
Anterior segment dysgenesis. Also called: Ocular anterior segment dysgenesis. Identifiers: Orphanet 88632, MedGen C1862839, MONDO:0019503, HP:0007700.

Allele frequency attached by ClinVar (database versions not stated): ESP Exome Variant Server 0.00008; 1000 Genomes Project 30x 0.00016; gnomAD exomes 0.00016 and 0.00021; 1000 Genomes Project 0.00020; gnomAD 0.00020; ExAC 0.00034.
gnomAD v4.1: 250 of 1,588,852 alleles (0.016%); highest among the groups gnomAD compares: Non-Finnish European, 0.019%; no homozygotes.

Submissions (6):

Labcorp Genetics (formerly Invitae), Labcorp
Classification: Likely benign for Anterior segment dysgenesis; Congenital primary aphakia. Last evaluated: 2026-01-30. Review status: criteria provided, single submitter. Criteria: Invitae Variant Classification Sherloc (09022015). Collection method: clinical testing. Allele origin: germline.

Blueprint Genetics
Classification: Benign. Last evaluated: 2024-09-25. Review status: criteria provided, single submitter. Criteria: ACMG Guidelines, 2015. Collection method: clinical testing. Allele origin: germline.

ARUP Laboratories, Molecular Genetics and Genomics, ARUP Laboratories
Classification: Likely benign. Last evaluated: 2024-06-17. Review status: criteria provided, single submitter. Criteria: ARUP Molecular Germline Variant Investigation Process 2024. Collection method: clinical testing. Allele origin: germline.

CeGaT Center for Human Genetics Tuebingen
Classification: Likely benign. Last evaluated: 2023-10-01. Review status: criteria provided, single submitter. Criteria: CeGaT Center For Human Genetics Tuebingen Variant Classification Criteria Version 2. Collection method: clinical testing. Allele origin: germline. Affected: yes. Observed: 1 variant allele.
Comment: FOXE3: BP4, BP7

Ambry Genetics
Classification: Likely benign for Cardiovascular phenotype. Last evaluated: 2019-03-08. Review status: criteria provided, single submitter. Criteria: Ambry Variant Classification Scheme 2023. Collection method: clinical testing. Allele origin: germline.

PreventionGenetics, part of Exact Sciences
Classification: Likely benign for FOXE3-related condition. Last evaluated: 2022-10-21. Review status: no assertion criteria provided. Collection method: clinical testing. Allele origin: germline. Not counted in ClinVar's aggregate classification.
Comment: This variant is classified as likely benign based on ACMG/AMP sequence variant interpretation guidelines (Richards et al. 2015 PMID: 25741868, with internal and published modifications).